The following is an entry in ClinVar:

ClinVar aggregate classification (germline): Conflicting classifications of pathogenicity. Review status: criteria provided, conflicting classifications (1 of 4 stars). 2 submissions from 2 submitters: Uncertain significance (1); Likely benign (1). Last evaluated 2026-06-01.

Conditions:
MAN2B2-related disorder. Also called: MAN2B2-Related Disorders; MAN2B2-related condition.

gnomAD v4.1: 1,238 of 1,614,252 alleles (0.077%); highest among the groups gnomAD compares: Middle Eastern, 0.51%; 2 homozygotes.

Submissions (2):

CeGaT Center for Human Genetics Tuebingen
Classification: Likely benign. Last evaluated: 2026-06-01. Review status: criteria provided, single submitter. Criteria: CeGaT Center For Human Genetics Tuebingen Variant Classification Criteria Version 2. Collection method: clinical testing. Allele origin: germline. Affected: yes. Observed: 2 variant alleles.
Comment: MAN2B2: BP4

PreventionGenetics, part of Exact Sciences
Classification: Uncertain significance for MAN2B2-related condition. Last evaluated: 2025-03-05. Review status: criteria provided, single submitter. Criteria: ACMG Guidelines, 2015. Collection method: clinical testing. Allele origin: germline.
Comment: The MAN2B2 c.1930G>A variant is predicted to result in the amino acid substitution p.Val644Met. To our knowledge, this variant has not been reported in the literature. This variant is reported in 0.36% of alleles in individuals of Ashkenazi Jewish descent in gnomAD, including one homozygous individual, which may be too common to be causative. Although we suspect that this variant may be benign, at this time, the clinical significance of this variant is uncertain due to the absence of conclusive functional and genetic evidence.

NM_015274.3(MAN2B2):c.1930G>A (p.Val644Met)

Gene: MAN2B2 (mannosidase alpha class 2B member 2; plus strand). Cytogenetic location: 4p16.1.
Variant type: single nucleotide variant.
Coding change: c.1930G>A on transcript NM_015274.3 (MANE Select); coding-DNA position 1930, G replaced by A.
Protein change: p.Val644Met; replaces valine 644 with methionine.
Molecular consequence: missense variant.
Genome position (GRCh38, 1-based): chr4:6,609,222, G>A. VCF-style: chr4-6609222-G-A. GRCh37 (hg19) VCF-style: chr4-6610949-G-A.
Other names: c.1930G>A (NM_015274.2); c.1777G>A, p.Val593Met (NM_001292038.2); short protein forms V593M, V644M.
Identifiers: ClinVar variation 3898208 (VCV003898208.8).